The following is an entry in ClinVar:

NM_014994.3(MAPKBP1):c.2230C>T (p.Arg744Cys)

Gene: MAPKBP1 (mitogen-activated protein kinase binding protein 1; plus strand). Cytogenetic location: 15q15.1.
Variant type: single nucleotide variant.
Coding change: c.2230C>T on transcript NM_014994.3 (MANE Select); coding-DNA position 2230, C replaced by T.
Protein change: p.Arg744Cys; replaces arginine 744 with cysteine.
Molecular consequence: missense variant. On other transcripts: non-coding transcript variant (2).
Genome position (GRCh38, 1-based): chr15:41,818,896, C>T. VCF-style: chr15-41818896-C-T. GRCh37 (hg19) VCF-style: chr15-42111094-C-T.
Other names: c.2248C>T, p.Arg750Cys (NM_001128608.2); c.2230C>T, p.Arg744Cys (NM_001265611.2); short protein forms R744C, R750C.
Identifiers: ClinVar variation 1030172 (VCV001030172.1), dbSNP rs756233868, ClinGen allele CA7498095.

ClinVar aggregate classification (germline): Uncertain significance (1 of 4 stars; one submission).

Conditions:
Nephronophthisis 20 (NPHP20). Identifiers: MedGen C4310640, MONDO:0014997, OMIM 617271.

Allele frequency attached by ClinVar (database versions not stated): TOPMed below 0.00001; gnomAD 0.00001; ExAC 0.00002; gnomAD exomes 0.00002 and 0.00004.
gnomAD v4.1: 58 of 1,614,212 alleles (0.0036%); highest among the groups gnomAD compares: Middle Eastern, 0.58%; 1 homozygote.

Submission:

Baylor Genetics
Classification: Uncertain significance for Nephronophthisis 20. Last evaluated: 2019-12-24. Review status: criteria provided, single submitter. Criteria: ACMG Guidelines, 2015. Collection method: clinical testing. Allele origin: unknown. Affected: yes.
Comment: This variant was determined to be of uncertain significance according to ACMG Guidelines, 2015 [PMID:25741868].